The following is an entry in ClinVar:

ClinVar aggregate classification (germline): Uncertain significance (1 of 4 stars; one submission).

Allele frequency attached by ClinVar (database versions not stated): gnomAD 0.00001; gnomAD exomes 0.00001; TOPMed 0.00001.
gnomAD v4.1: 12 of 1,611,438 alleles (0.00074%); highest among the groups gnomAD compares: Non-Finnish European, 0.00093%; no homozygotes.

Submission:

Ambry Genetics
Classification: Uncertain significance. Last evaluated: 2021-06-29. Review status: criteria provided, single submitter. Criteria: Ambry Variant Classification Scheme 2023. Collection method: clinical testing. Allele origin: germline.
Comment: The p.P903S variant (also known as c.2707C>T), located in coding exon 24 of the PRKDC gene, results from a C to T substitution at nucleotide position 2707. The proline at codon 903 is replaced by serine, an amino acid with similar properties. This amino acid position is conserved. In addition, the in silico prediction for this alteration is inconclusive. Since supporting evidence is limited at this time, the clinical significance of this alteration remains unclear.

NM_006904.7(PRKDC):c.2707C>T (p.Pro903Ser)

Gene: PRKDC (protein kinase, DNA-activated, catalytic subunit; minus strand). Cytogenetic location: 8q11.21.
Variant type: single nucleotide variant.
Coding change: c.2707C>T on transcript NM_006904.7 (MANE Select); coding-DNA position 2707, C replaced by T.
Protein change: p.Pro903Ser; replaces proline 903 with serine.
Molecular consequence: missense variant.
Genome position (GRCh38, 1-based): chr8:47,913,975, G>A on the plus strand (C>T on the coding strand, the complement: PRKDC is on the minus strand). VCF-style: chr8-47913975-G-A. GRCh37 (hg19) VCF-style: chr8-48826535-G-A.
Other names: c.2707C>T, p.Pro903Ser (NM_001081640.2); short protein forms P903S.
Identifiers: ClinVar variation 1794998 (VCV001794998.2), dbSNP rs1420331439, ClinGen allele CA371159261.